The following is an entry in ClinVar:

ClinVar aggregate classification (germline): Uncertain significance (1 of 4 stars; one submission).

Submission:

Labcorp Genetics (formerly Invitae), Labcorp
Classification: Uncertain significance. Last evaluated: 2022-10-05. Review status: criteria provided, single submitter. Criteria: Invitae Variant Classification Sherloc (09022015). Collection method: clinical testing. Allele origin: germline.
Comment: This variant is not present in population databases (gnomAD no frequency). This sequence change replaces aspartic acid, which is acidic and polar, with valine, which is neutral and non-polar, at codon 871 of the KMT2A protein (p.Asp871Val). This variant has not been reported in the literature in individuals affected with KMT2A-related conditions. In summary, the available evidence is currently insufficient to determine the role of this variant in disease. Therefore, it has been classified as a Variant of Uncertain Significance. Advanced modeling of protein sequence and biophysical properties (such as structural, functional, and spatial information, amino acid conservation, physicochemical variation, residue mobility, and thermodynamic stability) has been performed at Invitae for this missense variant, however the output from this modeling did not meet the statistical confidence thresholds required to predict the impact of this variant on KMT2A protein function.

NM_001197104.2(KMT2A):c.2612A>T (p.Asp871Val)

Gene: KMT2A (lysine methyltransferase 2A; plus strand). Cytogenetic location: 11q23.3.
Variant type: single nucleotide variant.
Coding change: c.2612A>T on transcript NM_001197104.2 (MANE Select); coding-DNA position 2612, A replaced by T.
Protein change: p.Asp871Val; replaces aspartic acid 871 with valine.
Molecular consequence: missense variant.
Genome position (GRCh38, 1-based): chr11:118,473,771, A>T. VCF-style: chr11-118473771-A-T. GRCh37 (hg19) VCF-style: chr11-118344486-A-T.
Other names: c.2711A>T, p.Asp904Val (NM_001412597.1); c.2612A>T, p.Asp871Val (NM_005933.4); short protein forms D871V, D904V.
Identifiers: ClinVar variation 1721043 (VCV001721043.5), dbSNP rs2496813164, ClinGen allele CA382816472.